The following is an entry in ClinVar:

NM_001082971.2(DDC):c.1361C>T (p.Thr454Met)

Gene: DDC (dopa decarboxylase; minus strand). Cytogenetic location: 7p12.2.
Variant type: single nucleotide variant.
Coding change: c.1361C>T on transcript NM_001082971.2 (MANE Select); coding-DNA position 1361, C replaced by T.
Protein change: p.Thr454Met; replaces threonine 454 with methionine.
Molecular consequence: missense variant.
Genome position (GRCh38, 1-based): chr7:50,463,313, G>A on the plus strand (C>T on the coding strand, the complement: DDC is on the minus strand). VCF-style: chr7-50463313-G-A. GRCh37 (hg19) VCF-style: chr7-50531011-G-A.
Other names: c.1361C>T, p.Thr454Met (NM_000790.4); c.1247C>T, p.Thr416Met (NM_001242886.2); c.1217C>T, p.Thr406Met (NM_001242887.2); c.1127C>T, p.Thr376Met (NM_001242888.2); c.1082C>T, p.Thr361Met (NM_001242889.2); c.1361C>T (NM_000790.3); short protein forms T361M, T376M, T406M, T416M, T454M.
Identifiers: ClinVar variation 1053058 (VCV001053058.6), dbSNP rs147562019, ClinGen allele CA4261985.

ClinVar aggregate classification (germline): Conflicting classifications of pathogenicity. Review status: criteria provided, conflicting classifications (1 of 4 stars). 2 submissions from 2 submitters: Uncertain significance (1); Likely benign (1). Last evaluated 2026-08-26.

Conditions:
Inborn genetic diseases. Identifiers: MedGen C0950123, MeSH D030342.
Deficiency of aromatic-L-amino-acid decarboxylase. Also called: Aromatic L-Amino Acid Decarboxylase Deficiency; Aromatic amino acid decarboxylase deficiency; AADC DEFICIENCY; DDC DEFICIENCY; DOPA DECARBOXYLASE DEFICIENCY. Identifiers: Orphanet 35708, MedGen C1291564, MONDO:0012084, OMIM 608643.

Allele frequency attached by ClinVar (database versions not stated): gnomAD exomes 0.00002 and 0.00004; ESP Exome Variant Server 0.00008; TOPMed 0.00040; ExAC 0.00006; gnomAD 0.00025 and 0.00021.
gnomAD v4.1: 80 of 1,614,094 alleles (0.005%); highest among the groups gnomAD compares: Admixed American, 0.063%; no homozygotes.

Submissions (2):

Ambry Genetics
Classification: Likely benign for Inborn genetic diseases. Last evaluated: 2026-08-26. Review status: criteria provided, single submitter. Criteria: Ambry Variant Classification Scheme 2023. Collection method: clinical testing. Allele origin: germline.

Labcorp Genetics (formerly Invitae), Labcorp
Classification: Uncertain significance for Deficiency of aromatic-L-amino-acid decarboxylase. Last evaluated: 2022-10-31. Review status: criteria provided, single submitter. Criteria: Invitae Variant Classification Sherloc (09022015). Collection method: clinical testing. Allele origin: germline.
Comment: This sequence change replaces threonine, which is neutral and polar, with methionine, which is neutral and non-polar, at codon 454 of the DDC protein (p.Thr454Met). This variant is present in population databases (rs147562019, gnomAD 0.02%). This variant has not been reported in the literature in individuals affected with DDC-related conditions. ClinVar contains an entry for this variant (Variation ID: 1053058). Advanced modeling of protein sequence and biophysical properties (such as structural, functional, and spatial information, amino acid conservation, physicochemical variation, residue mobility, and thermodynamic stability) performed at Invitae indicates that this missense variant is not expected to disrupt DDC protein function. In summary, the available evidence is currently insufficient to determine the role of this variant in disease. Therefore, it has been classified as a Variant of Uncertain Significance.